The following is an entry in ClinVar:

ClinVar aggregate classification (germline): Conflicting classifications of pathogenicity. Review status: criteria provided, conflicting classifications (1 of 4 stars). 5 submissions from 5 submitters: Uncertain significance (1); Likely benign (3). 1 of the submissions does not count toward it. Last evaluated 2026-02-02.

Conditions:
NBAS-related disorder. Also called: NBAS-related condition.

Allele frequency attached by ClinVar (database versions not stated): ESP Exome Variant Server 0.00054; gnomAD exomes 0.00081 and 0.00122; 1000 Genomes Project 30x 0.00094; ExAC 0.00099; 1000 Genomes Project 0.00120; gnomAD 0.00147 and 0.00148; TOPMed 0.00164.
gnomAD v4.1: 1,443 of 1,613,594 alleles (0.089%); highest among the groups gnomAD compares: Admixed American, 0.54%; 4 homozygotes.

Submissions (5):

Labcorp Genetics (formerly Invitae), Labcorp
Classification: Likely benign. Last evaluated: 2026-02-02. Review status: criteria provided, single submitter. Criteria: Invitae Variant Classification Sherloc (09022015). Collection method: clinical testing. Allele origin: germline.

Women's Health and Genetics/Laboratory Corporation of America, LabCorp
Classification: Likely benign. Last evaluated: 2025-04-02. Review status: criteria provided, single submitter. Criteria: LabCorp Variant Classification Summary - May 2015. Collection method: clinical testing. Allele origin: germline.
Comment: Variant summary: NBAS c.4358G>A (p.Cys1453Tyr) results in a non-conservative amino acid change in the encoded protein sequence. Four of five in-silico tools predict a benign effect of the variant on protein function. The variant allele was found at a frequency of 0.0012 in 251072 control chromosomes, predominantly at a frequency of 0.0043 within the Latino subpopulation in the gnomAD database. The observed variant frequency within Latino control individuals in the gnomAD database is approximately 4 - fold of the estimated maximal expected allele frequency for a pathogenic variant in NBAS causing Liver Failure Acute Infantile, Type 2 phenotype (0.0011). To our knowledge, no occurrence of c.4358G>A in individuals affected with Liver Failure Acute Infantile, Type 2 and no experimental evidence demonstrating its impact on protein function have been reported. ClinVar contains an entry for this variant (Variation ID: 771124). Based on the evidence outlined above, the variant was classified as likely benign.

Blueprint Genetics
Classification: Likely benign. Last evaluated: 2024-11-25. Review status: criteria provided, single submitter. Criteria: ACMG Guidelines, 2015. Collection method: clinical testing. Allele origin: germline.

CeGaT Center for Human Genetics Tuebingen
Classification: Uncertain significance. Last evaluated: 2019-07-01. Review status: criteria provided, single submitter. Criteria: CeGaT Center For Human Genetics Tuebingen Variant Classification Criteria Version 2. Collection method: clinical testing. Allele origin: germline. Affected: yes. Observed: 1 variant allele.

PreventionGenetics, part of Exact Sciences
Classification: Likely benign for NBAS-related condition. Last evaluated: 2022-06-10. Review status: no assertion criteria provided. Collection method: clinical testing. Allele origin: germline. Not counted in ClinVar's aggregate classification.
Comment: This variant is classified as likely benign based on ACMG/AMP sequence variant interpretation guidelines (Richards et al. 2015 PMID: 25741868, with internal and published modifications).

NM_015909.4(NBAS):c.4358G>A (p.Cys1453Tyr)

Gene: NBAS (NBAS subunit of NRZ tethering complex; minus strand). Cytogenetic location: 2p24.3.
Variant type: single nucleotide variant.
Coding change: c.4358G>A on transcript NM_015909.4 (MANE Select); coding-DNA position 4358, G replaced by A.
Protein change: p.Cys1453Tyr; replaces cysteine 1453 with tyrosine.
Molecular consequence: missense variant. On other transcripts: non-coding transcript variant (1).
Genome position (GRCh38, 1-based): chr2:15,328,302, C>T on the plus strand (G>A on the coding strand, the complement: NBAS is on the minus strand). VCF-style: chr2-15328302-C-T. GRCh37 (hg19) VCF-style: chr2-15468426-C-T.
Other names: short protein forms C1453Y.
Identifiers: ClinVar variation 771124 (VCV000771124.55), dbSNP rs148644578, ClinGen allele CA1535674.